The following is an entry in ClinVar:

ClinVar aggregate classification (germline): Uncertain significance. Review status: criteria provided, multiple submitters, no conflicts (2 of 4 stars). 2 submissions from 2 submitters: Uncertain significance (2). Last evaluated 2026-08-25.

Allele frequency attached by ClinVar (database versions not stated): gnomAD exomes 0.00001 and 0.00003; gnomAD 0.00015; TOPMed 0.00015; 1000 Genomes Project 30x 0.00016.
gnomAD v4.1: 40 of 1,535,944 alleles (0.0026%); highest among the groups gnomAD compares: African/African-American, 0.048%; no homozygotes.

Submissions (2):

GeneDx
Classification: Uncertain significance. Last evaluated: 2026-08-25. Review status: criteria provided, single submitter. Criteria: GeneDx Variant Classification Process June 2021. Collection method: clinical testing. Allele origin: germline.
Comment: In silico analysis suggests that this missense variant does not alter protein structure/function; Has not been previously published as pathogenic or benign to our knowledge

Labcorp Genetics (formerly Invitae), Labcorp
Classification: Uncertain significance. Last evaluated: 2024-11-05. Review status: criteria provided, single submitter. Criteria: Invitae Variant Classification Sherloc (09022015). Collection method: clinical testing. Allele origin: germline.
Comment: This sequence change replaces glycine, which is neutral and non-polar, with aspartic acid, which is acidic and polar, at codon 968 of the PDZD7 protein (p.Gly968Asp). This variant is present in population databases (rs749824364, gnomAD 0.07%). This variant has not been reported in the literature in individuals affected with PDZD7-related conditions. ClinVar contains an entry for this variant (Variation ID: 1253992). Experimental studies and prediction algorithms are not available or were not evaluated, and the functional significance of this variant is currently unknown. In summary, the available evidence is currently insufficient to determine the role of this variant in disease. Therefore, it has been classified as a Variant of Uncertain Significance.

NM_001195263.2(PDZD7):c.2903G>A (p.Gly968Asp)

Gene: PDZD7 (PDZ domain containing 7; minus strand). Cytogenetic location: 10q24.31.
Variant type: single nucleotide variant.
Coding change: c.2903G>A on transcript NM_001195263.2 (MANE Select); coding-DNA position 2903, G replaced by A.
Protein change: p.Gly968Asp; replaces glycine 968 with aspartic acid.
Molecular consequence: missense variant.
Genome position (GRCh38, 1-based): chr10:101,008,666, C>T on the plus strand (G>A on the coding strand, the complement: PDZD7 is on the minus strand). VCF-style: chr10-101008666-C-T. GRCh37 (hg19) VCF-style: chr10-102768423-C-T.
Other names: short protein forms G968D.
Identifiers: ClinVar variation 1253992 (VCV001253992.7), dbSNP rs749824364, ClinGen allele CA5653938.